The following is an entry in ClinVar:

NM_139321.3(ATRN):c.1177T>C (p.Tyr393His)

Gene: ATRN (attractin; plus strand). Cytogenetic location: 20p13.
Variant type: single nucleotide variant.
Coding change: c.1177T>C on transcript NM_139321.3 (MANE Select); coding-DNA position 1177, T replaced by C.
Protein change: p.Tyr393His; replaces tyrosine 393 with histidine.
Molecular consequence: missense variant.
Genome position (GRCh38, 1-based): chr20:3,559,457, T>C. VCF-style: chr20-3559457-T-C. GRCh37 (hg19) VCF-style: chr20-3540104-T-C.
Other names: c.829T>C, p.Tyr277His (NM_001207047.3); c.1177T>C, p.Tyr393His (NM_001323332.2, NM_139322.4); short protein forms Y277H, Y393H.
Identifiers: ClinVar variation 1975670 (VCV001975670.5), dbSNP rs1281046817, ClinGen allele CA408254045.

ClinVar aggregate classification (germline): Uncertain significance (1 of 4 stars; one submission).

Allele frequency attached by ClinVar (database versions not stated): TOPMed below 0.00001; gnomAD 0.00001.

Submission:

Labcorp Genetics (formerly Invitae), Labcorp
Classification: Uncertain significance. Last evaluated: 2022-05-27. Review status: criteria provided, single submitter. Criteria: Invitae Variant Classification Sherloc (09022015). Collection method: clinical testing. Allele origin: germline.
Comment: In summary, the available evidence is currently insufficient to determine the role of this variant in disease. Therefore, it has been classified as a Variant of Uncertain Significance. Algorithms developed to predict the effect of missense changes on protein structure and function (SIFT, PolyPhen-2, Align-GVGD) all suggest that this variant is likely to be disruptive. This variant has not been reported in the literature in individuals affected with ATRN-related conditions. This variant is not present in population databases (gnomAD no frequency). This sequence change replaces tyrosine, which is neutral and polar, with histidine, which is basic and polar, at codon 393 of the ATRN protein (p.Tyr393His).